The following is an entry in ClinVar:

NC_000016.9:g.(?_8905475)_(8905590_?)del

Gene: PMM2 (phosphomannomutase 2; plus strand). Cytogenetic location: 16p13.2.
Variant type: Deletion.
Identifiers: ClinVar variation 2422838 (VCV002422838.4).

ClinVar aggregate classification (germline): Pathogenic (1 of 4 stars; one submission).

Conditions:
PMM2-congenital disorder of glycosylation. Also called: PMM2-CDG; CDG Ia; JAEKEN SYNDROME; PHOSPHOMANNOMUTASE 2 DEFICIENCY; CARBOHYDRATE-DEFICIENT GLYCOPROTEIN SYNDROME, TYPE Ia; Congenital disorder of glycosylation, type Ia. Identifiers: Orphanet 79318, MedGen C0349653, MONDO:0008907, OMIM 212065.

Submission:

Labcorp Genetics (formerly Invitae), Labcorp
Classification: Pathogenic for PMM2-congenital disorder of glycosylation. Last evaluated: 2022-04-01. Review status: criteria provided, single submitter. Criteria: Invitae Variant Classification Sherloc (09022015). Collection method: clinical testing. Allele origin: germline.
Comment: This variant is a gross deletion of the genomic region encompassing exon(s) 6 of the PMM2 gene. While this deletion is not anticipated to lead to nonsense mediated decay, it is expected to disrupt the C-terminus of the protein. This variant has not been reported in the literature in individuals affected with PMM2-related conditions. This variant disrupts a region of the PMM2 protein in which other variant(s) (p.Cys241Ser) have been determined to be pathogenic (PMID: 11156536, 11715002, 15844218, 21541725, 22012410, 25355454, 26014514). This suggests that this is a clinically significant region of the protein, and that variants that disrupt it are likely to be disease-causing. For these reasons, this variant has been classified as Pathogenic.

Literature cited by the submitters: PubMed 11156536; PubMed 11715002; PubMed 15844218; PubMed 21541725; PubMed 22012410; PubMed 25355454; PubMed 26014514.